The following is an entry in ClinVar:

ClinVar aggregate classification (germline): Uncertain significance. Review status: criteria provided, multiple submitters, no conflicts (2 of 4 stars). 2 submissions from 2 submitters: Uncertain significance (2). Last evaluated 2023-10-19.

Allele frequency attached by ClinVar (database versions not stated): TOPMed below 0.00001.

Submissions (2):

GeneDx
Classification: Uncertain significance. Last evaluated: 2023-10-19. Review status: criteria provided, single submitter. Criteria: GeneDx Variant Classification Process June 2021. Collection method: clinical testing. Allele origin: germline. Affected: yes.
Comment: Not observed at significant frequency in large population cohorts (gnomAD); Has not been previously published as pathogenic or benign to our knowledge; In silico analysis is inconclusive as to whether the variant alters gene splicing. In the absence of RNA/functional studies, the actual effect of this sequence change is unknown.

Mayo Clinic Laboratories, Mayo Clinic
Classification: Uncertain significance. Last evaluated: 2023-01-17. Review status: criteria provided, single submitter. Criteria: ACMG Guidelines, 2015. Collection method: clinical testing. Allele origin: germline. Observed: 1 variant allele.
Comment: PM2

NM_000136.3(FANCC):c.1038A>C (p.Pro346=)

Genes: AOPEP (aminopeptidase O (putative); plus strand), FANCC (FA complementation group C; minus strand). Cytogenetic location: 9q22.32.
Variant type: single nucleotide variant.
Coding change: c.1038A>C on transcript NM_000136.3 (MANE Select); coding-DNA position 1038, A replaced by C.
Protein change: p.Pro346=; no amino-acid change (proline 346 retained).
Molecular consequence: synonymous variant.
Genome position (GRCh38, 1-based): chr9:95,117,349, T>G on the plus strand (A>C on the coding strand, the complement: FANCC is on the minus strand). VCF-style: chr9-95117349-T-G. GRCh37 (hg19) VCF-style: chr9-97879631-T-G.
Other names: p.Pro346=; c.1038A>C, p.Pro346= (NM_001243743.2, NM_001243744.2).
Identifiers: ClinVar variation 2683052 (VCV002683052.2), dbSNP rs1290875014, ClinGen allele CA466096146.